The following is an entry in ClinVar:

ClinVar aggregate classification (germline): Uncertain significance (1 of 4 stars; one submission).

Allele frequency attached by ClinVar (database versions not stated): gnomAD 0.00001; ExAC 0.00002; gnomAD exomes 0.00002; TOPMed 0.00002.

Submission:

Labcorp Genetics (formerly Invitae), Labcorp
Classification: Uncertain significance. Last evaluated: 2022-06-23. Review status: criteria provided, single submitter. Criteria: Invitae Variant Classification Sherloc (09022015). Collection method: clinical testing. Allele origin: germline.
Comment: This sequence change replaces aspartic acid, which is acidic and polar, with asparagine, which is neutral and polar, at codon 593 of the TELO2 protein (p.Asp593Asn). This variant is present in population databases (rs779136313, gnomAD 0.004%). This variant has not been reported in the literature in individuals affected with TELO2-related conditions. Algorithms developed to predict the effect of missense changes on protein structure and function (SIFT, PolyPhen-2, Align-GVGD) all suggest that this variant is likely to be tolerated. In summary, the available evidence is currently insufficient to determine the role of this variant in disease. Therefore, it has been classified as a Variant of Uncertain Significance.

NM_016111.4(TELO2):c.1777G>A (p.Asp593Asn)

Gene: TELO2 (telomere maintenance 2; plus strand). Cytogenetic location: 16p13.3.
Variant type: single nucleotide variant.
Coding change: c.1777G>A on transcript NM_016111.4 (MANE Select); coding-DNA position 1777, G replaced by A.
Protein change: p.Asp593Asn; replaces aspartic acid 593 with asparagine.
Molecular consequence: missense variant.
Genome position (GRCh38, 1-based): chr16:1,502,937, G>A. VCF-style: chr16-1502937-G-A. GRCh37 (hg19) VCF-style: chr16-1552938-G-A.
Other names: c.1777G>A, p.Asp593Asn (NM_001351846.2); short protein forms D593N.
Identifiers: ClinVar variation 1897126 (VCV001897126.2), dbSNP rs779136313, ClinGen allele CA7812333.